The following is an entry in ClinVar:

ClinVar aggregate classification (germline): Uncertain significance. Review status: criteria provided, multiple submitters, no conflicts (2 of 4 stars). 2 submissions from 2 submitters: Uncertain significance (2). Last evaluated 2024-02-05.

Conditions:
Neuropathy, hereditary sensory, type 2C. Also called: Hereditary sensory and autonomic neuropathy type IIC; KIF1A-Related HSAN2 (HSAN2C). Identifiers: Orphanet 970, MedGen C3280168, MONDO:0013634, OMIM 614213.
Intellectual disability, autosomal dominant 9 (NESCAVS). Also called: KIF1A-Related Neurodevelopmental Disorder; NESCAV SYNDROME. Identifiers: Orphanet 662367, MedGen C5393830, MONDO:0013656, OMIM 614255.
Hereditary spastic paraplegia 30. Identifiers: Orphanet 101010, MedGen C5235139, MONDO:0012476.

Allele frequency attached by ClinVar (database versions not stated): gnomAD exomes below 0.00001; gnomAD 0.00001; TOPMed 0.00001.

Submissions (2):

Labcorp Genetics (formerly Invitae), Labcorp
Classification: Uncertain significance for Hereditary spastic paraplegia 30; Neuropathy, hereditary sensory, type 2C; Intellectual disability, autosomal dominant 9. Last evaluated: 2024-02-05. Review status: criteria provided, single submitter. Criteria: Invitae Variant Classification Sherloc (09022015). Collection method: clinical testing. Allele origin: germline.
Comment: This sequence change replaces methionine, which is neutral and non-polar, with threonine, which is neutral and polar, at codon 1248 of the KIF1A protein (p.Met1248Thr). This variant is not present in population databases (gnomAD no frequency). This variant has not been reported in the literature in individuals affected with KIF1A-related conditions. ClinVar contains an entry for this variant (Variation ID: 1030765). Advanced modeling of protein sequence and biophysical properties (such as structural, functional, and spatial information, amino acid conservation, physicochemical variation, residue mobility, and thermodynamic stability) performed at Invitae indicates that this missense variant is not expected to disrupt KIF1A protein function with a negative predictive value of 95%. In summary, the available evidence is currently insufficient to determine the role of this variant in disease. Therefore, it has been classified as a Variant of Uncertain Significance.

Baylor Genetics
Classification: Uncertain significance for Intellectual disability, autosomal dominant 9. Last evaluated: 2020-02-07. Review status: criteria provided, single submitter. Criteria: ACMG Guidelines, 2015. Collection method: clinical testing. Allele origin: unknown. Affected: yes.
Comment: This variant was determined to be of uncertain significance according to ACMG Guidelines, 2015 [PMID:25741868].

NM_001244008.2(KIF1A):c.4046T>C (p.Met1349Thr)

Gene: KIF1A (kinesin family member 1A; minus strand). Cytogenetic location: 2q37.3.
Variant type: single nucleotide variant.
Coding change: c.4046T>C on transcript NM_001244008.2 (MANE Select); coding-DNA position 4046, T replaced by C.
Protein change: p.Met1349Thr; replaces methionine 1349 with threonine.
Molecular consequence: missense variant.
Genome position (GRCh38, 1-based): chr2:240,726,902, A>G on the plus strand (T>C on the coding strand, the complement: KIF1A is on the minus strand). VCF-style: chr2-240726902-A-G. GRCh37 (hg19) VCF-style: chr2-241666319-A-G.
Other names: c.3770T>C, p.Met1257Thr (NM_001320705.2, NM_001379649.1); c.3797T>C, p.Met1266Thr (NM_001330289.2); c.3845T>C, p.Met1282Thr (NM_001330290.2, NM_001379648.1); c.4121T>C, p.Met1374Thr (NM_001379631.1); c.4022T>C, p.Met1341Thr (NM_001379632.1); c.4019T>C, p.Met1340Thr (NM_001379633.1, NM_001379645.1); c.3872T>C, p.Met1291Thr (NM_001379634.1); c.3869T>C, p.Met1290Thr (NM_001379635.1, NM_001379646.1); and 7 more; short protein forms M1257T, M1265T, M1282T, M1286T, M1290T, M1248T, M1256T, M1291T.
Identifiers: ClinVar variation 1030765 (VCV001030765.7), dbSNP rs1045777400, ClinGen allele CA68141189.
Genomic context (GRCh38, chr2:240,726,902, plus strand): 5'-AGTGTCATGTAGATTTTCTCTCGATAAGGGGTGACCCGGTTCAGCAGGAGAGAGTTGTGC[A>G]TGGAGCTGTCCCACGCAGCCTCAAATTGGTAAAAGGTCCTGAAAGGAAGCAGAGACAAAG-3'
Protein context (NP_001230937.1, residues 1339-1359): YQFEAAWDSS[Met1349Thr]HNSLLLNRVT